The following is an entry in ClinVar:

ClinVar aggregate classification (germline): Uncertain significance. Review status: criteria provided, multiple submitters, no conflicts (2 of 4 stars). 2 submissions from 2 submitters: Uncertain significance (2). Last evaluated 2023-03-31.

Conditions:
Inborn genetic diseases. Identifiers: MedGen C0950123, MeSH D030342.
Hereditary spastic paraplegia 39 (SPG39). Also called: SPASTIC PARAPLEGIA 39, AUTOSOMAL RECESSIVE; Spastic Paraplegia Type 39 (SPG39). Identifiers: Orphanet 139480, MedGen C2677586, MONDO:0012787, OMIM 612020.

Allele frequency attached by ClinVar (database versions not stated): gnomAD exomes 0.00001; ExAC 0.00002; gnomAD 0.00002 and 0.00003; TOPMed 0.00003.
gnomAD v4.1: 17 of 1,614,024 alleles (0.0011%); highest among the groups gnomAD compares: Admixed American, 0.01%; no homozygotes.

Submissions (2):

Ambry Genetics
Classification: Uncertain significance for Inborn genetic diseases. Last evaluated: 2023-03-31. Review status: criteria provided, single submitter. Criteria: Ambry Variant Classification Scheme 2023. Collection method: clinical testing. Allele origin: germline.

Labcorp Genetics (formerly Invitae), Labcorp
Classification: Uncertain significance for Hereditary spastic paraplegia 39. Last evaluated: 2021-08-24. Review status: criteria provided, single submitter. Criteria: Invitae Variant Classification Sherloc (09022015). Collection method: clinical testing. Allele origin: germline.
Comment: This sequence change replaces aspartic acid with asparagine at codon 1192 of the PNPLA6 protein (p.Asp1192Asn). The aspartic acid residue is highly conserved and there is a small physicochemical difference between aspartic acid and asparagine. This variant is present in population databases (rs747752100, ExAC 0.006%). This variant has not been reported in the literature in individuals affected with PNPLA6-related conditions. Algorithms developed to predict the effect of missense changes on protein structure and function are either unavailable or do not agree on the potential impact of this missense change (SIFT: "Deleterious"; PolyPhen-2: "Possibly Damaging"; Align-GVGD: "Class C0"). In summary, the available evidence is currently insufficient to determine the role of this variant in disease. Therefore, it has been classified as a Variant of Uncertain Significance.

NM_001166114.2(PNPLA6):c.3688G>A (p.Asp1230Asn)

Gene: PNPLA6 (patatin like domain 6, lysophospholipase; plus strand). Cytogenetic location: 19p13.2.
Variant type: single nucleotide variant.
Coding change: c.3688G>A on transcript NM_001166114.2 (MANE Select); coding-DNA position 3688, G replaced by A.
Protein change: p.Asp1230Asn; replaces aspartic acid 1230 with asparagine.
Molecular consequence: missense variant.
Genome position (GRCh38, 1-based): chr19:7,559,140, G>A. VCF-style: chr19-7559140-G-A. GRCh37 (hg19) VCF-style: chr19-7624026-G-A.
Other names: c.3718G>A, p.Asp1240Asn (NM_001166111.2); c.3493G>A, p.Asp1165Asn (NM_001166112.2); c.3574G>A, p.Asp1192Asn (NM_001166113.1, NM_006702.5); short protein forms D1230N, D1192N, D1165N, D1240N.
Identifiers: ClinVar variation 863200 (VCV000863200.8), dbSNP rs747752100, ClinGen allele CA9140534.